The following is an entry in ClinVar:

ClinVar aggregate classification (germline): Uncertain significance. Review status: criteria provided, multiple submitters, no conflicts (2 of 4 stars). 2 submissions from 2 submitters: Uncertain significance (2). Last evaluated 2025-06-25.

Conditions:
Inborn genetic diseases. Identifiers: MedGen C0950123, MeSH D030342.

gnomAD v4.1: 69 of 1,613,354 alleles (0.0043%); highest among the groups gnomAD compares: Admixed American, 0.11%; 2 homozygotes.

Submissions (2):

Ambry Genetics
Classification: Uncertain significance for Inborn genetic diseases. Last evaluated: 2025-06-25. Review status: criteria provided, single submitter. Criteria: Ambry Variant Classification Scheme 2023. Collection method: clinical testing. Allele origin: germline.

Labcorp Genetics (formerly Invitae), Labcorp
Classification: Uncertain significance. Last evaluated: 2025-05-28. Review status: criteria provided, single submitter. Criteria: Invitae Variant Classification Sherloc (09022015). Collection method: clinical testing. Allele origin: germline.
Comment: This sequence change replaces leucine, which is neutral and non-polar, with proline, which is neutral and non-polar, at codon 506 of the WDR11 protein (p.Leu506Pro). This variant is present in population databases (rs763775506, gnomAD 0.07%). This variant has not been reported in the literature in individuals affected with WDR11-related conditions. An algorithm developed to predict the effect of missense changes on protein structure and function (PolyPhen-2) suggests that this variant is likely to be disruptive. In summary, the available evidence is currently insufficient to determine the role of this variant in disease. Therefore, it has been classified as a Variant of Uncertain Significance.

NM_018117.12(WDR11):c.1517T>C (p.Leu506Pro)

Gene: WDR11 (WD repeat domain 11; plus strand). Cytogenetic location: 10q26.12.
Variant type: single nucleotide variant.
Coding change: c.1517T>C on transcript NM_018117.12 (MANE Select); coding-DNA position 1517, T replaced by C.
Protein change: p.Leu506Pro; replaces leucine 506 with proline.
Molecular consequence: missense variant.
Genome position (GRCh38, 1-based): chr10:120,873,884, T>C. VCF-style: chr10-120873884-T-C. GRCh37 (hg19) VCF-style: chr10-122633396-T-C.
Other names: short protein forms L506P.
Identifiers: ClinVar variation 4200427 (VCV004200427.2).